The following is an entry in ClinVar:

ClinVar aggregate classification (germline): Uncertain significance (1 of 4 stars; one submission).

Conditions:
Malignant hyperthermia, susceptibility to, 1 (MHS1). Also called: RYR1-Related Malignant Hyperthermia Susceptibility; Malignant hyperthermia suceptibility 1; Anesthesia related hyperthermia; Malignant hyperpyrexia; Fulminating hyperpyrexia; Pharmacogenic myopathy. Identifiers: Orphanet 423, MedGen C2930980, MONDO:0007783, OMIM 145600.

gnomAD v4.1: 3 of 1,613,246 alleles (0.00019%); highest among the groups gnomAD compares: Admixed American, 0.005%; no homozygotes.

Submission:

Color Diagnostics, LLC DBA Color Health
Classification: Uncertain significance for Malignant hyperthermia, susceptibility to, 1. Last evaluated: 2024-05-13. Review status: criteria provided, single submitter. Criteria: ACMG Guidelines, 2015. Collection method: clinical testing. Allele origin: germline.
Comment: This variant causes a G to A nucleotide substitution at the +3 position of intron 11 of the RYR1 gene. To our knowledge, functional studies have not been reported for this variant. This variant has not been reported in individuals affected with RYR1-related disorders in the literature. This variant has been identified in 2/249758 chromosomes in the general population by the Genome Aggregation Database (gnomAD). The available evidence is insufficient to determine the role of this variant in disease conclusively. Therefore, this variant is classified as a Variant of Uncertain Significance.

NM_000540.3(RYR1):c.1122+3G>A

Gene: RYR1 (ryanodine receptor 1; plus strand). Cytogenetic location: 19q13.2.
Variant type: single nucleotide variant.
Coding change: c.1122+3G>A on transcript NM_000540.3 (MANE Select); 3 bases into the intron after coding-DNA position 1122, G replaced by A.
Molecular consequence: intron variant.
Genome position (GRCh38, 1-based): chr19:38,448,816, G>A. VCF-style: chr19-38448816-G-A. GRCh37 (hg19) VCF-style: chr19-38939456-G-A.
Other names: c.1122+3G>A (NM_001042723.2).
Identifiers: ClinVar variation 4758667 (VCV004758667.1).